The following is an entry in ClinVar:

ClinVar aggregate classification (germline): Uncertain significance (1 of 4 stars; one submission).

Conditions:
Inborn genetic diseases. Identifiers: MedGen C0950123, MeSH D030342.

Submission:

Ambry Genetics
Classification: Uncertain significance for Inborn genetic diseases. Last evaluated: 2025-11-18. Review status: criteria provided, single submitter. Criteria: Ambry Variant Classification Scheme 2023. Collection method: clinical testing. Allele origin: germline.
Comment: The p.M15L variant (also known as c.43A>T), located in coding exon 1 of the CEBPA gene, results from an A to T substitution at nucleotide position 43. The methionine at codon 15 is replaced by leucine, an amino acid with highly similar properties. This amino acid position is conserved. In addition, this alteration is predicted to be tolerated by in silico analysis. Based on the available evidence, the clinical significance of this variant remains unclear.

NM_004364.5(CEBPA):c.43A>T (p.Met15Leu)

Genes: CEBPA (CCAAT enhancer binding protein alpha; minus strand), LOC130064183 (ATAC-STARR-seq lymphoblastoid silent region 10495; plus strand). Cytogenetic location: 19q13.11.
Variant type: single nucleotide variant.
Coding change: c.43A>T on transcript NM_004364.5 (MANE Select); coding-DNA position 43, A replaced by T.
Protein change: p.Met15Leu; replaces methionine 15 with leucine.
Molecular consequence: missense variant. On other transcripts: 5 prime UTR variant (1), initiator codon variant (1).
Genome position (GRCh38, 1-based): chr19:33,302,372, T>A on the plus strand (A>T on the coding strand, the complement: CEBPA is on the minus strand). VCF-style: chr19-33302372-T-A. GRCh37 (hg19) VCF-style: chr19-33793278-T-A.
Other names: c.-315A>T (NM_001285829.2); c.148A>T, p.Met50Leu (NM_001287424.2); c.1A>T, p.Met1Leu (NM_001287435.2); short protein forms M15L, M1L, M50L.
Identifiers: ClinVar variation 4611408 (VCV004611408.1).